The following is an entry in ClinVar:

NM_001270508.2(TNFAIP3):c.1675T>C (p.Cys559Arg)

Gene: TNFAIP3 (TNF alpha induced protein 3; plus strand). Cytogenetic location: 6q23.3.
Variant type: single nucleotide variant.
Coding change: c.1675T>C on transcript NM_001270508.2 (MANE Select); coding-DNA position 1675, T replaced by C.
Protein change: p.Cys559Arg; replaces cysteine 559 with arginine.
Molecular consequence: missense variant.
Genome position (GRCh38, 1-based): chr6:137,879,120, T>C. VCF-style: chr6-137879120-T-C. GRCh37 (hg19) VCF-style: chr6-138200257-T-C.
Other names: c.1675T>C, p.Cys559Arg (NM_001270507.2, NM_006290.4); short protein forms C559R.
Identifiers: ClinVar variation 2978616 (VCV002978616.3), dbSNP rs745973283, ClinGen allele CA365793241.

ClinVar aggregate classification (germline): Uncertain significance (1 of 4 stars; one submission).

gnomAD v4.1: 4 of 1,614,156 alleles (0.00025%); highest among the groups gnomAD compares: Non-Finnish European, 0.00034%; no homozygotes.

Submission:

Labcorp Genetics (formerly Invitae), Labcorp
Classification: Uncertain significance. Last evaluated: 2023-12-02. Review status: criteria provided, single submitter. Criteria: Invitae Variant Classification Sherloc (09022015). Collection method: clinical testing. Allele origin: germline.
Comment: This sequence change replaces cysteine, which is neutral and slightly polar, with arginine, which is basic and polar, at codon 559 of the TNFAIP3 protein (p.Cys559Arg). This variant is not present in population databases (gnomAD no frequency). This variant has not been reported in the literature in individuals affected with TNFAIP3-related conditions. Advanced modeling of protein sequence and biophysical properties (such as structural, functional, and spatial information, amino acid conservation, physicochemical variation, residue mobility, and thermodynamic stability) performed at Invitae indicates that this missense variant is not expected to disrupt TNFAIP3 protein function with a negative predictive value of 80%. In summary, the available evidence is currently insufficient to determine the role of this variant in disease. Therefore, it has been classified as a Variant of Uncertain Significance.